The following is an entry in ClinVar:

NM_012330.4(KAT6B):c.4392G>A (p.Val1464=)

Gene: KAT6B (lysine acetyltransferase 6B; plus strand). Cytogenetic location: 10q22.2.
Variant type: single nucleotide variant.
Coding change: c.4392G>A on transcript NM_012330.4 (MANE Select); coding-DNA position 4392, G replaced by A.
Protein change: p.Val1464=; no amino-acid change (valine 1464 retained).
Molecular consequence: synonymous variant.
Genome position (GRCh38, 1-based): chr10:75,029,216, G>A. VCF-style: chr10-75029216-G-A. GRCh37 (hg19) VCF-style: chr10-76788974-G-A.
Other names: c.3843G>A, p.Val1281= (NM_001256468.2, NM_001370138.1); c.3516G>A, p.Val1172= (NM_001256469.2, NM_001370139.1, NM_001370140.1 and 2 more transcripts); c.3354G>A, p.Val1118= (NM_001370132.1); c.2703G>A, p.Val901= (NM_001370133.1); c.2307G>A, p.Val769= (NM_001370134.1); c.2049G>A, p.Val683= (NM_001370135.1); c.4392G>A, p.Val1464= (NM_001370136.1, NM_001370137.1); c.3327G>A, p.Val1109= (NM_001370143.1, NM_001370144.1).
Identifiers: ClinVar variation 1272363 (VCV001272363.4), dbSNP rs748148457, ClinGen allele CA5565025.

ClinVar aggregate classification (germline): Benign/Likely benign. Review status: criteria provided, multiple submitters, no conflicts (2 of 4 stars). 3 submissions from 3 submitters: Benign (1); Likely benign (2). Last evaluated 2026-09-01.

Allele frequency attached by ClinVar (database versions not stated): gnomAD 0.00002; TOPMed 0.00004; gnomAD exomes 0.00007 and 0.00013; ExAC 0.00016.
gnomAD v4.1: 42 of 1,613,984 alleles (0.0026%); highest among the groups gnomAD compares: Admixed American, 0.07%; no homozygotes.

Submissions (3):

CeGaT Center for Human Genetics Tuebingen
Classification: Likely benign. Last evaluated: 2026-09-01. Review status: criteria provided, single submitter. Criteria: CeGaT Center For Human Genetics Tuebingen Variant Classification Criteria Version 2. Collection method: clinical testing. Allele origin: germline. Affected: yes. Observed: 2 variant alleles.
Comment: KAT6B: BP4, BP7

Blueprint Genetics
Classification: Likely benign. Last evaluated: 2022-10-15. Review status: criteria provided, single submitter. Criteria: ACMG Guidelines, 2015. Collection method: clinical testing. Allele origin: germline.

GeneDx
Classification: Benign. Last evaluated: 2021-06-14. Review status: criteria provided, single submitter. Criteria: GeneDx Variant Classification Process June 2021. Collection method: clinical testing. Allele origin: germline. Affected: yes.